The following is an entry in ClinVar:

NM_004655.4(AXIN2):c.1963G>A (p.Glu655Lys)

Gene: AXIN2 (axin 2; minus strand). Cytogenetic location: 17q24.1.
Variant type: single nucleotide variant.
Coding change: c.1963G>A on transcript NM_004655.4 (MANE Select); coding-DNA position 1963, G replaced by A.
Protein change: p.Glu655Lys; replaces glutamic acid 655 with lysine.
Molecular consequence: missense variant.
Genome position (GRCh38, 1-based): chr17:65,536,498, C>T on the plus strand (G>A on the coding strand, the complement: AXIN2 is on the minus strand). VCF-style: chr17-65536498-C-T. GRCh37 (hg19) VCF-style: chr17-63532616-C-T.
Other names: c.1963G>A (LRG_296t1); c.1768G>A, p.Glu590Lys (NM_001363813.1); short protein forms E655K, E590K.
Identifiers: ClinVar variation 408777 (VCV000408777.14), dbSNP rs767111161, ClinGen allele CA8718447.

ClinVar aggregate classification (germline): Uncertain significance. Review status: criteria provided, multiple submitters, no conflicts (2 of 4 stars). 4 submissions from 4 submitters: Uncertain significance (4). Last evaluated 2025-12-31.

Conditions:
Hereditary cancer-predisposing syndrome. Also called: Hereditary Cancer Syndrome; Hereditary neoplastic syndrome; Neoplastic Syndromes, Hereditary; Tumor predisposition. Identifiers: Orphanet 140162, MedGen C0027672, MeSH D009386, MONDO:0015356.
Oligodontia-cancer predisposition syndrome. Also called: TOOTH AGENESIS-COLORECTAL CANCER SYNDROME. Identifiers: Orphanet 300576, MedGen C1837750, MONDO:0012075, OMIM 608615. Disease mechanism: loss of function.

Allele frequency attached by ClinVar (database versions not stated): ExAC 0.00001; gnomAD exomes 0.00001; TOPMed 0.00001.
gnomAD v4.1: 9 of 1,613,810 alleles (0.00056%); highest among the groups gnomAD compares: Non-Finnish European, 0.00068%; no homozygotes.

Submissions (4):

Labcorp Genetics (formerly Invitae), Labcorp
Classification: Uncertain significance for Oligodontia-cancer predisposition syndrome. Last evaluated: 2025-12-31. Review status: criteria provided, single submitter. Criteria: Invitae Variant Classification Sherloc (09022015). Collection method: clinical testing. Allele origin: germline.
Comment: This sequence change replaces glutamic acid, which is acidic and polar, with lysine, which is basic and polar, at codon 655 of the AXIN2 protein (p.Glu655Lys). This variant is present in population databases (rs767111161, gnomAD 0.002%). This variant has not been reported in the literature in individuals affected with AXIN2-related conditions. ClinVar contains an entry for this variant (Variation ID: 408777). An algorithm developed to predict the effect of missense changes on protein structure and function (PolyPhen-2) suggests that this variant is likely to be disruptive. In summary, the available evidence is currently insufficient to determine the role of this variant in disease. Therefore, it has been classified as a Variant of Uncertain Significance.

Ambry Genetics
Classification: Uncertain significance for Hereditary cancer-predisposing syndrome. Last evaluated: 2025-08-08. Review status: criteria provided, single submitter. Criteria: Ambry Variant Classification Scheme 2023. Collection method: clinical testing. Allele origin: germline.
Comment: The p.E655K variant (also known as c.1963G>A), located in coding exon 7 of the AXIN2 gene, results from a G to A substitution at nucleotide position 1963. The glutamic acid at codon 655 is replaced by lysine, an amino acid with similar properties. This amino acid position is well conserved on limited sequence alignment. In addition, this alteration is predicted to be tolerated by in silico analysis. Since supporting evidence is limited at this time, the clinical significance of this alteration remains unclear.

GeneDx
Classification: Uncertain significance. Last evaluated: 2022-10-06. Review status: criteria provided, single submitter. Criteria: GeneDx Variant Classification Process June 2021. Collection method: clinical testing. Allele origin: germline. Affected: yes.
Comment: Not observed at significant frequency in large population cohorts (gnomAD); In silico analysis supports that this missense variant does not alter protein structure/function; Has not been previously published as pathogenic or benign to our knowledge; This variant is associated with the following publications: (PMID: 15735151, 29641532)

Laboratorio de Genetica e Diagnostico Molecular, Hospital Israelita Albert Einstein
Classification: Uncertain significance for Oligodontia-cancer predisposition syndrome. Last evaluated: 2022-08-16. Review status: criteria provided, single submitter. Criteria: ACMG Guidelines, 2015. Collection method: clinical testing. Allele origin: germline. Affected: yes. Observed: 1 variant allele.
Comment: ACMG classification criteria: PM2 supporting, BP4 supporting